The following is an entry in ClinVar:

ClinVar aggregate classification (germline): Benign/Likely benign. Review status: criteria provided, multiple submitters, no conflicts (2 of 4 stars). 3 submissions from 3 submitters: Benign (1); Likely benign (2). Last evaluated 2025-12-24.

Conditions:
Oligodontia-cancer predisposition syndrome. Also called: TOOTH AGENESIS-COLORECTAL CANCER SYNDROME. Identifiers: Orphanet 300576, MedGen C1837750, MONDO:0012075, OMIM 608615. Disease mechanism: loss of function.
Hereditary cancer-predisposing syndrome. Also called: Tumor predisposition; Neoplastic Syndromes, Hereditary; Hereditary Cancer Syndrome; Hereditary neoplastic syndrome. Identifiers: Orphanet 140162, MedGen C0027672, MeSH D009386, MONDO:0015356.

Submissions (3):

Labcorp Genetics (formerly Invitae), Labcorp
Classification: Likely benign for Oligodontia-cancer predisposition syndrome. Last evaluated: 2025-12-24. Review status: criteria provided, single submitter. Criteria: Invitae Variant Classification Sherloc (09022015). Collection method: clinical testing. Allele origin: germline.

Myriad Genetics, Inc.
Classification: Benign for Oligodontia-cancer predisposition syndrome. Last evaluated: 2024-06-25. Review status: criteria provided, single submitter. Criteria: Myriad Autosomal Dominant, Autosomal Recessive and X-Linked Classification Criteria (2023). Collection method: clinical testing. Allele origin: unknown.
Comment: This variant is considered benign. This variant is a silent/synonymous amino acid change and it is not expected to impact splicing.

Ambry Genetics
Classification: Likely benign for Hereditary cancer-predisposing syndrome. Last evaluated: 2021-05-10. Review status: criteria provided, single submitter. Criteria: Ambry Variant Classification Scheme 2023. Collection method: clinical testing. Allele origin: germline.

NM_004655.4(AXIN2):c.228C>G (p.Thr76=)

Gene: AXIN2 (axin 2; minus strand). Cytogenetic location: 17q24.1.
Variant type: single nucleotide variant.
Coding change: c.228C>G on transcript NM_004655.4 (MANE Select); coding-DNA position 228, C replaced by G.
Protein change: p.Thr76=; no amino-acid change (threonine 76 retained).
Molecular consequence: synonymous variant.
Genome position (GRCh38, 1-based): chr17:65,558,393, G>C on the plus strand (C>G on the coding strand, the complement: AXIN2 is on the minus strand). VCF-style: chr17-65558393-G-C. GRCh37 (hg19) VCF-style: chr17-63554511-G-C.
Other names: c.228C>G, p.Thr76= (NM_001363813.1).
Identifiers: ClinVar variation 1650080 (VCV001650080.11), dbSNP rs2144589487, ClinGen allele CA501691434.
Genomic context (GRCh38, chr17:65,558,393, plus strand): 5'-TCGGAACAGGTAAGCACCGTCTTGATCGCCCAATAAGGAGTGTAAGGACTTGGTCCACCG[G>C]GTCAGAGGGGAATCCGGAGATGCCCGCCCCTCCGGCTCCCCCAACCCATCTTCGTTCCGC-3'
Protein context (NP_004646.3, residues 66-86): EGRASPDSPL[Thr76=]RWTKSLHSLL